The following is an entry in ClinVar:

ClinVar aggregate classification (germline): Uncertain significance (1 of 4 stars; one submission).

Conditions:
PCNT-related disorder. Also called: PCNT-related condition.

gnomAD v4.1: 14 of 1,614,076 alleles (0.00087%); highest among the groups gnomAD compares: South Asian, 0.0022%; no homozygotes.

Submission:

PreventionGenetics, part of Exact Sciences
Classification: Uncertain significance for PCNT-related condition. Last evaluated: 2025-07-29. Review status: criteria provided, single submitter. Criteria: ACMG Guidelines, 2015. Collection method: clinical testing. Allele origin: germline.
Comment: The PCNT c.184G>A variant is predicted to result in the amino acid substitution p.Ala62Thr. To our knowledge, this variant has not been reported in the literature. This variant is reported in 0.0033% of alleles in individuals of South Asian descent in gnomAD. At this time, the clinical significance of this variant is uncertain due to the absence of conclusive functional and genetic evidence.

NM_006031.6(PCNT):c.184G>A (p.Ala62Thr)

Gene: PCNT (pericentrin; plus strand). Cytogenetic location: 21q22.3.
Variant type: single nucleotide variant.
Coding change: c.184G>A on transcript NM_006031.6 (MANE Select); coding-DNA position 184, G replaced by A.
Protein change: p.Ala62Thr; replaces alanine 62 with threonine.
Molecular consequence: missense variant. On other transcripts: 5 prime UTR variant (1).
Genome position (GRCh38, 1-based): chr21:46,326,506, G>A. VCF-style: chr21-46326506-G-A. GRCh37 (hg19) VCF-style: chr21-47746420-G-A.
Other names: c.-171G>A (NM_001315529.2); short protein forms A62T.
Identifiers: ClinVar variation 4978878 (VCV004978878.1).